The following is an entry in ClinVar:

NM_000186.4(CFH):c.1409A>G (p.Lys470Arg)

Gene: CFH (complement factor H; plus strand). Cytogenetic location: 1q31.3.
Variant type: single nucleotide variant.
Coding change: c.1409A>G on transcript NM_000186.4 (MANE Select); coding-DNA position 1409, A replaced by G.
Protein change: p.Lys470Arg; replaces lysine 470 with arginine.
Molecular consequence: missense variant.
Genome position (GRCh38, 1-based): chr1:196,713,807, A>G. VCF-style: chr1-196713807-A-G. GRCh37 (hg19) VCF-style: chr1-196682937-A-G.
Other names: short protein forms K470R.
Identifiers: ClinVar variation 1385275 (VCV001385275.8), dbSNP rs2149102117, ClinGen allele CA343981877.

ClinVar aggregate classification (germline): Uncertain significance (1 of 4 stars; one submission).

Submission:

Labcorp Genetics (formerly Invitae), Labcorp
Classification: Uncertain significance. Last evaluated: 2021-04-06. Review status: criteria provided, single submitter. Criteria: Invitae Variant Classification Sherloc (09022015). Collection method: clinical testing. Allele origin: germline.
Comment: In summary, the available evidence is currently insufficient to determine the role of this variant in disease. Therefore, it has been classified as a Variant of Uncertain Significance. Algorithms developed to predict the effect of missense changes on protein structure and function (SIFT, PolyPhen-2, Align-GVGD) all suggest that this variant is likely to be tolerated, but these predictions have not been confirmed by published functional studies and their clinical significance is uncertain. This variant has not been reported in the literature in individuals with CFH-related conditions. This variant is not present in population databases (ExAC no frequency). This sequence change replaces lysine with arginine at codon 470 of the CFH protein (p.Lys470Arg). The lysine residue is weakly conserved and there is a small physicochemical difference between lysine and arginine.